The following is an entry in ClinVar:

NM_001379500.1(COL18A1):c.2422C>T (p.Pro808Ser)

Gene: COL18A1 (collagen type XVIII alpha 1 chain; plus strand). Cytogenetic location: 21q22.3.
Variant type: single nucleotide variant.
Coding change: c.2422C>T on transcript NM_001379500.1 (MANE Select); coding-DNA position 2422, C replaced by T.
Protein change: p.Pro808Ser; replaces proline 808 with serine.
Molecular consequence: missense variant.
Genome position (GRCh38, 1-based): chr21:45,494,904, C>T. VCF-style: chr21-45494904-C-T. GRCh37 (hg19) VCF-style: chr21-46914818-C-T.
Other names: c.2962C>T, p.Pro988Ser (NM_030582.4); c.3667C>T, p.Pro1223Ser (NM_130444.3); short protein forms P1223S, P988S, P808S.
Identifiers: ClinVar variation 1939118 (VCV001939118.5), dbSNP rs757922077, ClinGen allele CA10067079.

ClinVar aggregate classification (germline): Uncertain significance (1 of 4 stars; one submission).

Allele frequency attached by ClinVar (database versions not stated): gnomAD exomes below 0.00001; ExAC 0.00001; TOPMed 0.00001.
gnomAD v4.1: 4 of 1,610,668 alleles (0.00025%); highest among the groups gnomAD compares: Admixed American, 0.0033%; no homozygotes.

Submission:

Labcorp Genetics (formerly Invitae), Labcorp
Classification: Uncertain significance. Last evaluated: 2024-09-16. Review status: criteria provided, single submitter. Criteria: Invitae Variant Classification Sherloc (09022015). Collection method: clinical testing. Allele origin: germline.
Comment: This sequence change replaces proline, which is neutral and non-polar, with serine, which is neutral and polar, at codon 808 of the COL18A1 protein (p.Pro808Ser). This variant is present in population databases (rs757922077, gnomAD 0.006%). This variant has not been reported in the literature in individuals affected with COL18A1-related conditions. ClinVar contains an entry for this variant (Variation ID: 1939118). Experimental studies and prediction algorithms are not available or were not evaluated, and the functional significance of this variant is currently unknown. In summary, the available evidence is currently insufficient to determine the role of this variant in disease. Therefore, it has been classified as a Variant of Uncertain Significance.